The following is an entry in ClinVar:

NM_000834.5(GRIN2B):c.1946A>G (p.Asn649Ser)

Gene: GRIN2B (glutamate ionotropic receptor NMDA type subunit 2B; minus strand). Cytogenetic location: 12p13.1.
Variant type: single nucleotide variant.
Coding change: c.1946A>G on transcript NM_000834.5 (MANE Select); coding-DNA position 1946, A replaced by G.
Protein change: p.Asn649Ser; replaces asparagine 649 with serine.
Molecular consequence: missense variant.
Genome position (GRCh38, 1-based): chr12:13,608,667, T>C on the plus strand (A>G on the coding strand, the complement: GRIN2B is on the minus strand). VCF-style: chr12-13608667-T-C. GRCh37 (hg19) VCF-style: chr12-13761601-T-C.
Other names: short protein forms N649S.
Identifiers: ClinVar variation 435389 (VCV000435389.8), dbSNP rs879253945, ClinGen allele CA384050945.

ClinVar aggregate classification (germline): Conflicting classifications of pathogenicity. Review status: criteria provided, conflicting classifications (1 of 4 stars). 4 submissions from 4 submitters: Pathogenic (1); Likely pathogenic (1); Uncertain significance (2). Last evaluated 2025-10-25.

Conditions:
GRIN2B-related complex neurodevelopmental disorder. Identifiers: MedGen CN379886, MONDO:0700350.
Developmental and epileptic encephalopathy, 27 (DEE27). Also called: Epileptic encephalopathy, early infantile, 27; GRIN2B-Related Neurodevelopmental Disorder. Identifiers: Orphanet 3451, MedGen C4015316, MONDO:0014505, OMIM 616139.

Submissions (4):

Victorian Clinical Genetics Services, Murdoch Childrens Research Institute
Classification: Pathogenic for GRIN2B-related complex neurodevelopmental disorder. Last evaluated: 2025-10-25. Review status: criteria provided, single submitter. Criteria: ACMG Guidelines, 2015. Collection method: clinical testing. Allele origin: germline. Affected: yes.
Comment: This variant is classified as Pathogenic. Evidence in support of pathogenic classification: Variant is absent from gnomAD (v2, v3 and v4); This variant has limited previous evidence of pathogenicity in unrelated individual(s). This variant has been classified as likely pathogenic and a VUS by clinical laboratories in ClinVar. It has also been reported as de novo in one individual in DECIPHER, and in another individual with developmental epileptic encephalopathy, inheritance unknown, in the literature (PMID: 38538865); Variant is located in the well-established SYTANLAAF motif. This motif is highly conserved, contains a cluster of pathogenic variants, and is located in a region that is highly intolerant to missense variation (DECIPHER, PMIDs: 28377535, 38538865); Additional information: Variant is predicted to result in a missense amino acid change from Asn to Ser; This variant is heterozygous; This gene is associated with autosomal dominant disease; No published evidence of segregation with disease has been identified for this variant; Another missense variants comparable to the one identified in this case has inconclusive previous evidence for pathogenicity. p.(Ser649Thr) has been classified as a variant of uncertain significance by a clinical laboratory in ClinVar, and has been reported in one individual from a neurological disorders cohort in the literature (PMID: 38538865); Missense variant with inconclusive in silico prediction and uninformative conservation; Loss of function and gain of function are known mechanisms of disease in this gene and are associated with GRIN2B-related complex neurodevelopmental disorder (MONDO:0700350). Protein truncating variants have a loss of function mechanism, whereas missense variants have been proven to have a gain of function mechanism (PMID: 28377535); Variants in this gene are known to have variable expressivity. The severity of clinical features varies (PMID: 28377535).

GeneDx
Classification: Likely pathogenic. Last evaluated: 2022-12-06. Review status: criteria provided, single submitter. Criteria: GeneDx Variant Classification Process June 2021. Collection method: clinical testing. Allele origin: germline. Affected: yes.
Comment: Not observed at significant frequency in large population cohorts (gnomAD); In silico analysis supports that this missense variant has a deleterious effect on protein structure/function; Has not been previously published as pathogenic or benign to our knowledge

3billion
Classification: Uncertain significance for Developmental and epileptic encephalopathy, 27. Last evaluated: 2022-01-03. Review status: criteria provided, single submitter. Criteria: ACMG Guidelines, 2015. Collection method: clinical testing. Allele origin: germline. Affected: yes. Observed: 1 heterozygote.
Comment: The is not observed in the gnomAD v2.1.1 dataset (PM2_M). In silico tool predictions suggest damaging effect of the variant on gene or gene product (REVEL: 0.623, 3CNET: 0.996, PP3_P). A missense variant is a common mechanism associated with Developmental and epileptic encephalopathy 27 (PP2_P). Therefore, this variant is classified as uncertain significance according to the recommendation of ACMG/AMP guideline.

Genetic Services Laboratory, University of Chicago
Classification: Uncertain significance. Last evaluated: 2016-01-11. Review status: criteria provided, single submitter. Criteria: ACMG Guidelines, 2015. Collection method: clinical testing. Allele origin: germline. Affected: no.

Literature cited by the submitters: PubMed 28377535 (cited by Victorian Clinical Genetics Services, Murdoch Childrens Research Institute); PubMed 38538865 (cited by Victorian Clinical Genetics Services, Murdoch Childrens Research Institute).